The following is an entry in ClinVar:

ClinVar aggregate classification (germline): Benign/Likely benign. Review status: criteria provided, multiple submitters, no conflicts (2 of 4 stars). 3 submissions from 3 submitters: Benign (1); Likely benign (2). Last evaluated 2025-08-03.

Conditions:
Hereditary cancer-predisposing syndrome. Also called: Hereditary Cancer Syndrome; Tumor predisposition; Hereditary neoplastic syndrome; Neoplastic Syndromes, Hereditary. Identifiers: Orphanet 140162, MedGen C0027672, MeSH D009386, MONDO:0015356.
Hereditary diffuse gastric adenocarcinoma (HDGC). Also called: DIFFUSE GASTRIC AND LOBULAR BREAST CANCER SYNDROME. Identifiers: Orphanet 26106, MedGen C1708349, MONDO:0007648, OMIM 137215.

Allele frequency attached by ClinVar (database versions not stated): gnomAD exomes below 0.00001.
gnomAD v4.1: 1 of 1,614,100 alleles (0.000062%); highest among the groups gnomAD compares: Admixed American, 0.0017%; no homozygotes.

Submissions (3):

Labcorp Genetics (formerly Invitae), Labcorp
Classification: Likely benign for Hereditary diffuse gastric adenocarcinoma. Last evaluated: 2025-08-03. Review status: criteria provided, single submitter. Criteria: Invitae Variant Classification Sherloc (09022015). Collection method: clinical testing. Allele origin: germline.

Myriad Genetics, Inc.
Classification: Benign for Hereditary diffuse gastric adenocarcinoma. Last evaluated: 2024-09-23. Review status: criteria provided, single submitter. Criteria: Myriad Autosomal Dominant, Autosomal Recessive and X-Linked Classification Criteria (2023). Collection method: clinical testing. Allele origin: unknown.
Comment: This variant is considered benign. This variant is a silent/synonymous amino acid change and it is not expected to impact splicing.

Ambry Genetics
Classification: Likely benign for Hereditary cancer-predisposing syndrome. Last evaluated: 2023-11-14. Review status: criteria provided, single submitter. Criteria: Ambry Variant Classification Scheme 2023. Collection method: clinical testing. Allele origin: germline.

NM_004360.5(CDH1):c.2325C>A (p.Gly775=)

Gene: CDH1 (cadherin 1; plus strand). Cytogenetic location: 16q22.1.
Variant type: single nucleotide variant.
Coding change: c.2325C>A on transcript NM_004360.5 (MANE Select); coding-DNA position 2325, C replaced by A.
Protein change: p.Gly775=; no amino-acid change (glycine 775 retained).
Molecular consequence: synonymous variant.
Genome position (GRCh38, 1-based): chr16:68,829,683, C>A. VCF-style: chr16-68829683-C-A. GRCh37 (hg19) VCF-style: chr16-68863586-C-A.
Other names: c.2142C>A, p.Gly714= (NM_001317184.2); c.777C>A, p.Gly259= (NM_001317185.2); c.360C>A, p.Gly120= (NM_001317186.2).
Identifiers: ClinVar variation 1997180 (VCV001997180.6), dbSNP rs970542777, ClinGen allele CA283318269.